The following is an entry in ClinVar:

NM_201384.3(PLEC):c.4081C>T (p.Arg1361Trp)

Gene: PLEC (plectin; minus strand). Cytogenetic location: 8q24.3.
Variant type: single nucleotide variant.
Coding change: c.4081C>T on transcript NM_201384.3 (MANE Select); coding-DNA position 4081, C replaced by T.
Protein change: p.Arg1361Trp; replaces arginine 1361 with tryptophan.
Molecular consequence: missense variant.
Genome position (GRCh38, 1-based): chr8:143,925,848, G>A on the plus strand (C>T on the coding strand, the complement: PLEC is on the minus strand). VCF-style: chr8-143925848-G-A. GRCh37 (hg19) VCF-style: chr8-145000016-G-A.
Other names: c.4162C>T, p.Arg1388Trp (NM_000445.5); c.4039C>T, p.Arg1347Trp (NM_201378.4); c.4015C>T, p.Arg1339Trp (NM_201379.3); c.4492C>T, p.Arg1498Trp (NM_201380.4); c.3985C>T, p.Arg1329Trp (NM_201381.3); c.4081C>T, p.Arg1361Trp (NM_201382.4); c.4093C>T, p.Arg1365Trp (NM_201383.3); short protein forms R1339W, R1361W, R1329W, R1365W, R1498W, R1347W, R1388W.
Identifiers: ClinVar variation 942208 (VCV000942208.7), dbSNP rs1226356797, ClinGen allele CA372561422.

ClinVar aggregate classification (germline): Uncertain significance (1 of 4 stars; one submission).

Conditions:
Epidermolysis bullosa simplex 5B, with muscular dystrophy (EBS5B). Also called: EPIDERMOLYSIS BULLOSA SIMPLEX AND LIMB-GIRDLE MUSCULAR DYSTROPHY; Epidermolysis bullosa simplex with muscular dystrophy. Identifiers: Orphanet 257, MedGen C2931072, MONDO:0009181, OMIM 226670.
Epidermolysis bullosa simplex with nail dystrophy (EBS5D). Identifiers: MedGen C4225309, MONDO:0014661, OMIM 616487.
Epidermolysis bullosa simplex, Ogna type (EBS5A). Also called: EPIDERMOLYSIS BULLOSA SIMPLEX 5A, OGNA TYPE; Pidermolysis bullosa simplex 5A, Ogna type. Identifiers: Orphanet 79401, MedGen C0432317, MONDO:0007555, OMIM 131950.
Autosomal recessive limb-girdle muscular dystrophy type 2Q (LGMDR17). Also called: MUSCULAR DYSTROPHY, LIMB-GIRDLE, AUTOSOMAL RECESSIVE 17. Identifiers: Orphanet 254361, MedGen C3150989, MONDO:0013390, OMIM 613723.
Epidermolysis bullosa simplex 5C, with pyloric atresia (EBS5C). Also called: Epidermolysis bullosa simplex with pyloric atresia; PLEC-Related Epidermolysis Bullosa with Pyloric Atresia; PLEC1-Related Epidermolysis Bullosa with Pyloric Atresia. Identifiers: Orphanet 158684, MedGen C2677349, MONDO:0012807, OMIM 612138.

Allele frequency attached by ClinVar (database versions not stated): gnomAD exomes below 0.00001 and 0.00001; gnomAD 0.00001; TOPMed 0.00001; 1000 Genomes Project 30x 0.00016.
gnomAD v4.1: 7 of 1,550,656 alleles (0.00045%); highest among the groups gnomAD compares: East Asian, 0.0047%; no homozygotes.

Submission:

Labcorp Genetics (formerly Invitae), Labcorp
Classification: Uncertain significance for Autosomal recessive limb-girdle muscular dystrophy type 2Q; Epidermolysis bullosa simplex, Ogna type; Epidermolysis bullosa simplex with nail dystrophy; Epidermolysis bullosa simplex 5C, with pyloric atresia; Epidermolysis bullosa simplex 5B, with muscular dystrophy. Last evaluated: 2022-07-19. Review status: criteria provided, single submitter. Criteria: Invitae Variant Classification Sherloc (09022015). Collection method: clinical testing. Allele origin: germline.
Comment: This variant has not been reported in the literature in individuals affected with PLEC-related conditions. In summary, the available evidence is currently insufficient to determine the role of this variant in disease. Therefore, it has been classified as a Variant of Uncertain Significance. Algorithms developed to predict the effect of missense changes on protein structure and function are either unavailable or do not agree on the potential impact of this missense change (SIFT: "Deleterious"; PolyPhen-2: "Not Available"; Align-GVGD: "Class C35"). ClinVar contains an entry for this variant (Variation ID: 942208). The frequency data for this variant in the population databases is considered unreliable, as metrics indicate poor data quality at this position in the gnomAD database. This sequence change replaces arginine, which is basic and polar, with tryptophan, which is neutral and slightly polar, at codon 1388 of the PLEC protein (p.Arg1388Trp).